The following is an entry in ClinVar:

ClinVar aggregate classification (germline): Pathogenic (1 of 4 stars; one submission).

Conditions:
IVD-related disorder. Also called: IVD-related condition.

Submission:

PreventionGenetics, part of Exact Sciences
Classification: Pathogenic for IVD-related condition. Last evaluated: 2023-03-13. Review status: criteria provided, single submitter. Criteria: ACMG Guidelines, 2015. Collection method: clinical testing. Allele origin: germline.
Comment: The IVD c.349delG variant is predicted to result in a frameshift and premature protein termination (p.Glu117Argfs*40). To our knowledge, this variant has not been reported in the literature or in a large population database, indicating this variant is rare. Frameshift variants in IVD are expected to be pathogenic. Therefore, this variant is interpreted as pathogenic.

NM_002225.5(IVD):c.340del (p.Glu114fs)

Gene: IVD (isovaleryl-CoA dehydrogenase; plus strand). Cytogenetic location: 15q15.1.
Variant type: Deletion.
Coding change: c.340del on transcript NM_002225.5 (MANE Select); coding-DNA position 340, one base deleted (G; older notation c.340delG).
Protein change: p.Glu114fs; shifts the reading frame from glutamic acid 114.
Molecular consequence: frameshift variant. On other transcripts: non-coding transcript variant (1).
Genome position (GRCh38, 1-based): chr15:40,410,681, G deleted; the last of 2 consecutive G bases (chr15:40,410,680-40,410,681); deleting either gives the same sequence. VCF-style (leftmost placement, unchanged base first): chr15-40410679-AG-A. GRCh37 (hg19) VCF-style: chr15-40702878-AG-A.
Other names: c.250del, p.Glu84fs (NM_001159508.3); c.292del, p.Glu98fs (NM_001354597.3); c.340del, p.Glu114fs (NM_001354598.3, NM_001354601.3); c.427del, p.Glu143fs (NM_001354599.3, NM_001354600.3); short protein forms E114fs, E143fs, E84fs, E98fs.
Identifiers: ClinVar variation 2633394 (VCV002633394.1), dbSNP rs2542679317, ClinGen allele CA2695197209.
Genomic context (GRCh38, chr15:40,410,679, plus strand): 5'-CACTCACAGTTCAGTATGGCGGCTCCGGCCTGGGCTACCTGGAGCATGTGCTGGTGATGG[AG>A]GAGATATCCCGAGCTTCCGGAGCAGTGGGGCTCAGTTACGGTGCCCACTCCAACCTCTGC-3'